The following is an entry in ClinVar:

NM_145043.4(NEIL2):c.*969A>G

Gene: NEIL2 (nei like DNA glycosylase 2). Cytogenetic location: 8p23.1.
Variant type: single nucleotide variant.
Coding change: c.*969A>G on transcript NM_145043.4 (MANE Select); 969 bases downstream of the stop codon, A replaced by G.
Molecular consequence: 3 prime UTR variant. On other transcripts: non-coding transcript variant (3).
Genome position (GRCh38, 1-based): chr8:11,787,242, A>G. VCF-style: chr8-11787242-A-G. GRCh37 (hg19) VCF-style: chr8-11644751-A-G.
Other names: c.*969A>G (NM_001135746.3, NM_001135747.3, NM_001135748.3 and 4 more transcripts).
Identifiers: ClinVar variation 1259689 (VCV001259689.3), dbSNP rs4639, ClinGen allele CA12714037.

ClinVar aggregate classification (germline): Benign. Review status: criteria provided, multiple submitters, no conflicts (2 of 4 stars). 2 submissions from 2 submitters: Benign (2). Last evaluated 2020-02-18.

Allele frequency attached by ClinVar (database versions not stated): gnomAD 0.38932 and 0.40228; TOPMed 0.39349; 1000 Genomes Project 30x 0.45331; 1000 Genomes Project 0.46546; gnomAD exomes 0.54825.
gnomAD v4.1: 61,443 of 152,548 alleles (40%); highest among the groups gnomAD compares: East Asian, 73%; 14,497 homozygotes.

Submissions (2):

GeneDx
Classification: Benign. Last evaluated: 2020-02-18. Review status: criteria provided, single submitter. Criteria: GeneDx Variant Classification Process June 2021. Collection method: clinical testing. Allele origin: germline. Affected: yes.
Comment: This variant is associated with the following publications: (PMID: 31253066)

Breakthrough Genomics
Classification: Benign. Review status: criteria provided, single submitter. Criteria: ACMG Guidelines, 2015. Collection method: not provided. Allele origin: germline. Inheritance: Unknown mechanism. Affected: yes.